The following is an entry in ClinVar:

ClinVar aggregate classification (germline): Conflicting classifications of pathogenicity. Review status: criteria provided, conflicting classifications (1 of 4 stars). 5 submissions from 5 submitters: Uncertain significance (4); Likely benign (1). Last evaluated 2024-09-09.

Conditions:
Citrullinemia, type II, adult-onset (CDAA). Also called: CITRIN DEFICIENCY, ADOLESCENT OR ADULT ONSET. Identifiers: Orphanet 247585, MedGen CN295299, MONDO:0011326, OMIM 603471.
Neonatal intrahepatic cholestasis due to citrin deficiency (CDNI). Also called: Neonatal-onset citrullinemia type II; Neonatal-onset citrullinemia type 2; CITRIN DEFICIENCY, NEONATAL OR INFANTILE ONSET; Neonatal Intrahepatic Cholestasis Caused by Citrin Deficiency (NICCD). Identifiers: Orphanet 247598, MedGen C1853942, MONDO:0011601, OMIM 605814.
Citrin deficiency. Identifiers: Orphanet 247582, MedGen C1997910, MONDO:0016602.

Allele frequency attached by ClinVar (database versions not stated): TOPMed 0.00002; gnomAD exomes 0.00010; ExAC 0.00012; 1000 Genomes Project 0.00040; 1000 Genomes Project 30x 0.00047.
gnomAD v4.1: 59 of 1,614,122 alleles (0.0037%); highest among the groups gnomAD compares: East Asian, 0.065%; 1 homozygote.

Submissions (5):

Women's Health and Genetics/Laboratory Corporation of America, LabCorp
Classification: Uncertain significance. Last evaluated: 2024-09-09. Review status: criteria provided, single submitter. Criteria: LabCorp Variant Classification Summary - May 2015. Collection method: clinical testing. Allele origin: germline.
Comment: Variant summary: SLC25A13 c.1814G>A (p.Arg605Gln) results in a conservative amino acid change in the encoded protein sequence. Three of five in-silico tools predict a damaging effect of the variant on protein function. The variant allele was found at a frequency of 0.0001 in 251036 control chromosomes. This frequency is not significantly higher than estimated for a pathogenic variant in SLC25A13 causing Citrullinemia Type II, allowing no conclusion about variant significance. c.1814G>A has been reported in the literature in individuals affected with neonatal intrahepatic cholestasis (e.g.Treepongkaruna_2012, Qi_2019). These report(s) do not provide unequivocal conclusions about association of the variant with Citrullinemia Type II. At least one publication reports experimental evidence evaluating an impact on protein function. These results showed no damaging effect of this variant using a yeast complementation assay (Wongkittichote_2013). The following publications have been ascertained in the context of this evaluation (PMID: 31315761, 23067347, 23053473). ClinVar contains an entry for this variant (Variation ID: 498687). Based on the evidence outlined above, the variant was classified as uncertain significance.

Blueprint Genetics
Classification: Likely benign. Last evaluated: 2023-06-13. Review status: criteria provided, single submitter. Criteria: ACMG Guidelines, 2015. Collection method: clinical testing. Allele origin: germline.

Labcorp Genetics (formerly Invitae), Labcorp
Classification: Uncertain significance for Citrin deficiency. Last evaluated: 2021-12-30. Review status: criteria provided, single submitter. Criteria: Invitae Variant Classification Sherloc (09022015). Collection method: clinical testing. Allele origin: germline.
Comment: This sequence change replaces arginine, which is basic and polar, with glutamine, which is neutral and polar, at codon 605 of the SLC25A13 protein (p.Arg605Gln). This variant is present in population databases (rs548194276, gnomAD 0.1%). This variant has not been reported in the literature in individuals affected with SLC25A13-related conditions. ClinVar contains an entry for this variant (Variation ID: 498687). Advanced modeling of protein sequence and biophysical properties (such as structural, functional, and spatial information, amino acid conservation, physicochemical variation, residue mobility, and thermodynamic stability) performed at Invitae indicates that this missense variant is not expected to disrupt SLC25A13 protein function. Experimental studies have shown that this missense change does not substantially affect SLC25A13 function (PMID: 23053473). In summary, the available evidence is currently insufficient to determine the role of this variant in disease. Therefore, it has been classified as a Variant of Uncertain Significance.

Fulgent Genetics
Classification: Uncertain significance for Citrullinemia, type II, adult-onset; Neonatal intrahepatic cholestasis due to citrin deficiency. Last evaluated: 2021-09-22. Review status: criteria provided, single submitter. Criteria: ACMG Guidelines, 2015. Collection method: clinical testing. Allele origin: unknown.

Eurofins Ntd Llc (ga)
Classification: Uncertain significance. Last evaluated: 2016-11-16. Review status: criteria provided, single submitter. Criteria: EGL Classification Definitions 2015. Collection method: clinical testing. Allele origin: germline. Observed: 1 variant allele, 1 heterozygote.

Literature cited by the submitters: PubMed 23067347 (cited by Women's Health and Genetics/Laboratory Corporation of America, LabCorp); PubMed 23053473 (cited by Women's Health and Genetics/Laboratory Corporation of America, LabCorp and Labcorp Genetics (formerly Invitae), Labcorp); PubMed 31315761 (cited by Women's Health and Genetics/Laboratory Corporation of America, LabCorp).

NM_014251.3(SLC25A13):c.1814G>A (p.Arg605Gln)

Gene: SLC25A13 (solute carrier family 25 member 13; minus strand). Cytogenetic location: 7q21.3.
Variant type: single nucleotide variant.
Coding change: c.1814G>A on transcript NM_014251.3 (MANE Select); coding-DNA position 1814, G replaced by A.
Protein change: p.Arg605Gln; replaces arginine 605 with glutamine.
Molecular consequence: missense variant. On other transcripts: non-coding transcript variant (1).
Genome position (GRCh38, 1-based): chr7:96,121,682, C>T on the plus strand (G>A on the coding strand, the complement: SLC25A13 is on the minus strand). VCF-style: chr7-96121682-C-T. GRCh37 (hg19) VCF-style: chr7-95750994-C-T.
Other names: c.1817G>A, p.Arg606Gln (NM_001160210.2); short protein forms R605Q, R606Q.
Identifiers: ClinVar variation 498687 (VCV000498687.9), dbSNP rs548194276, ClinGen allele CA4352776.